The following is an entry in ClinVar:

ClinVar aggregate classification (germline): Uncertain significance. Review status: criteria provided, multiple submitters, no conflicts (2 of 4 stars). 3 submissions from 3 submitters: Uncertain significance (3). Last evaluated 2025-05-28.

Conditions:
Hereditary nonpolyposis colorectal neoplasms. Identifiers: MedGen C0009405, MeSH D003123.
Endometrial carcinoma. Also called: Endometrial carcinoma, somatic. Identifiers: MedGen C0476089, MONDO:0002447, OMIM 608089, HP:0012114.
Hereditary cancer-predisposing syndrome. Also called: Tumor predisposition; Hereditary neoplastic syndrome; Neoplastic Syndromes, Hereditary; Hereditary Cancer Syndrome. Identifiers: Orphanet 140162, MedGen C0027672, MeSH D009386, MONDO:0015356.

gnomAD v4.1: 2 of 1,594,848 alleles (0.00013%); highest among the groups gnomAD compares: South Asian, 0.0011%; no homozygotes.

Submissions (3):

Labcorp Genetics (formerly Invitae), Labcorp
Classification: Uncertain significance for Hereditary nonpolyposis colorectal neoplasms. Last evaluated: 2025-05-28. Review status: criteria provided, single submitter. Criteria: Invitae Variant Classification Sherloc (09022015). Collection method: clinical testing. Allele origin: germline.
Comment: This sequence change replaces alanine, which is neutral and non-polar, with threonine, which is neutral and polar, at codon 48 of the MSH6 protein (p.Ala48Thr). This variant is not present in population databases (gnomAD no frequency). This variant has not been reported in the literature in individuals affected with MSH6-related conditions. ClinVar contains an entry for this variant (Variation ID: 819194). Invitae Evidence Modeling of protein sequence and biophysical properties (such as structural, functional, and spatial information, amino acid conservation, physicochemical variation, residue mobility, and thermodynamic stability) indicates that this missense variant is not expected to disrupt MSH6 protein function with a negative predictive value of 95%. In summary, the available evidence is currently insufficient to determine the role of this variant in disease. Therefore, it has been classified as a Variant of Uncertain Significance.

Baylor Genetics
Classification: Uncertain significance for Endometrial carcinoma. Last evaluated: 2024-01-11. Review status: criteria provided, single submitter. Criteria: ACMG Guidelines, 2015. Collection method: clinical testing. Allele origin: unknown.

Ambry Genetics
Classification: Uncertain significance for Hereditary cancer-predisposing syndrome. Last evaluated: 2022-06-23. Review status: criteria provided, single submitter. Criteria: Ambry Variant Classification Scheme 2023. Collection method: clinical testing. Allele origin: germline.
Comment: The p.A48T variant (also known as c.142G>A), located in coding exon 1 of the MSH6 gene, results from a G to A substitution at nucleotide position 142. The alanine at codon 48 is replaced by threonine, an amino acid with similar properties. This amino acid position is not well conserved in available vertebrate species. In addition, this alteration is predicted to be tolerated by in silico analysis. Since supporting evidence is limited at this time, the clinical significance of this alteration remains unclear.

NM_000179.3(MSH6):c.142G>A (p.Ala48Thr)

Gene: MSH6 (mutS homolog 6; plus strand). Cytogenetic location: 2p16.3.
Variant type: single nucleotide variant.
Coding change: c.142G>A on transcript NM_000179.3 (MANE Select); coding-DNA position 142, G replaced by A.
Protein change: p.Ala48Thr; replaces alanine 48 with threonine.
Molecular consequence: missense variant. On other transcripts: 5 prime UTR variant (1).
Genome position (GRCh38, 1-based): chr2:47,783,375, G>A. VCF-style: chr2-47783375-G-A. GRCh37 (hg19) VCF-style: chr2-48010514-G-A.
Other names: c.142G>A, p.Ala48Thr (NM_001281492.2); c.-595G>A (NM_001281493.2); short protein forms A48T.
Identifiers: ClinVar variation 819194 (VCV000819194.14), dbSNP rs1572698169, ClinGen allele CA346734920.